The following is an entry in ClinVar:

NM_032776.3(JMJD1C):c.2570T>C (p.Leu857Pro)

Gene: JMJD1C (jumonji domain containing 1C; minus strand). Cytogenetic location: 10q21.3.
Variant type: single nucleotide variant.
Coding change: c.2570T>C on transcript NM_032776.3 (MANE Select); coding-DNA position 2570, T replaced by C.
Protein change: p.Leu857Pro; replaces leucine 857 with proline.
Molecular consequence: missense variant. On other transcripts: non-coding transcript variant (1).
Genome position (GRCh38, 1-based): chr10:63,213,597, A>G on the plus strand (T>C on the coding strand, the complement: JMJD1C is on the minus strand). VCF-style: chr10-63213597-A-G. GRCh37 (hg19) VCF-style: chr10-64973357-A-G.
Other names: c.2024T>C, p.Leu675Pro (NM_001282948.2, NM_001318154.2); c.1706T>C, p.Leu569Pro (NM_001318153.2); c.2456T>C, p.Leu819Pro (NM_001322252.2); c.1913T>C, p.Leu638Pro (NM_001322254.2, NM_001322258.2); c.2570T>C (NM_032776.1); short protein forms L675P, L857P, L569P, L638P, L819P.
Identifiers: ClinVar variation 846900 (VCV000846900.10), dbSNP rs749126634, ClinGen allele CA5518614.

ClinVar aggregate classification (germline): Uncertain significance. Review status: criteria provided, multiple submitters, no conflicts (2 of 4 stars). 2 submissions from 2 submitters: Uncertain significance (2). Last evaluated 2025-08-09.

Conditions:
Early Myoclonic Encephalopathy. Identifiers: MedGen C0270855.

Allele frequency attached by ClinVar (database versions not stated): gnomAD exomes 0.00001 and below 0.00001; TOPMed 0.00001; ExAC 0.00002.
gnomAD v4.1: 4 of 1,614,160 alleles (0.00025%); highest among the groups gnomAD compares: Admixed American, 0.0033%; no homozygotes.

Submissions (2):

Labcorp Genetics (formerly Invitae), Labcorp
Classification: Uncertain significance for Early Myoclonic Encephalopathy. Last evaluated: 2025-08-09. Review status: criteria provided, single submitter. Criteria: Invitae Variant Classification Sherloc (09022015). Collection method: clinical testing. Allele origin: germline.
Comment: This sequence change replaces leucine, which is neutral and non-polar, with proline, which is neutral and non-polar, at codon 857 of the JMJD1C protein (p.Leu857Pro). This variant is present in population databases (rs749126634, gnomAD 0.009%). This variant has not been reported in the literature in individuals affected with JMJD1C-related conditions. ClinVar contains an entry for this variant (Variation ID: 846900). Invitae Evidence Modeling of protein sequence and biophysical properties (such as structural, functional, and spatial information, amino acid conservation, physicochemical variation, residue mobility, and thermodynamic stability) indicates that this missense variant is expected to disrupt JMJD1C protein function with a positive predictive value of 80%. In summary, the available evidence is currently insufficient to determine the role of this variant in disease. Therefore, it has been classified as a Variant of Uncertain Significance.

Ambry Genetics
Classification: Uncertain significance. Last evaluated: 2022-02-11. Review status: criteria provided, single submitter. Criteria: Ambry Variant Classification Scheme 2023. Collection method: clinical testing. Allele origin: germline.